The following is an entry in ClinVar:

NM_000059.4(BRCA2):c.771_775del (p.Asn257fs)

Gene: BRCA2 (BRCA2 DNA repair associated; plus strand). Cytogenetic location: 13q13.1.
Variant type: Deletion.
Coding change: c.771_775del on transcript NM_000059.4 (MANE Select); coding-DNA positions 771 to 775, 5 bases deleted (TCAAA; older notation c.771_775delTCAAA).
Protein change: p.Asn257fs; shifts the reading frame from asparagine 257.
Molecular consequence: frameshift variant.
Genome position (GRCh38, 1-based): chr13:32,331,008-32,331,012, TCAAA deleted; deleting any 5 consecutive bases within chr13:32,331,004-32,331,012 gives the same sequence; the c. name uses the placement nearest the transcript's 3' end. VCF-style (leftmost placement, unchanged base first): chr13-32331003-ACAAAT-A. GRCh37 (hg19) VCF-style: chr13-32905140-ACAAAT-A.
Other names: 995del5; 999del5; c.771_775delTCAAA (NM_000059.3).
Identifiers: ClinVar variation 9326 (VCV000009326.91), dbSNP rs80359671, ClinGen allele CA025222.

ClinVar aggregate classification (germline): Pathogenic. Review status: reviewed by expert panel (3 of 4 stars). 36 submissions from 36 submitters: Pathogenic (1). 35 of the submissions do not count toward it. Last evaluated 2016-09-08.

Conditions:
BRCA2-related cancer predisposition. Identifiers: MedGen CN377758, MONDO:0700269.
BRCA2-related disorder. Also called: BRCA2-related condition; BRCA2-related disorders. Identifiers: MedGen CN239275.
Hereditary cancer-predisposing syndrome. Also called: Neoplastic Syndromes, Hereditary; Tumor predisposition; Hereditary neoplastic syndrome; Hereditary Cancer Syndrome. Identifiers: Orphanet 140162, MedGen C0027672, MeSH D009386, MONDO:0015356.
Hereditary breast ovarian cancer syndrome. Also called: Breast and ovarian cancer; Hereditary breast and/or ovarian cancer syndrome; Hereditary breast and ovarian cancer syndrome (HBOC); Hereditary breast and ovarian cancer; Hereditary breast and ovarian cancer syndrome; BRCA1- and BRCA2-Associated Hereditary Breast and Ovarian Cancer. Identifiers: Orphanet 145, MedGen C0677776, MeSH D061325, MONDO:0003582. Disease mechanism: loss of function.
Breast-ovarian cancer, familial, susceptibility to, 1 (BROVCA1). Also called: BRCA1 Hereditary Breast and Ovarian Cancer; OVARIAN CANCER, SUSCEPTIBILITY TO. Identifiers: Orphanet 145, MedGen C2676676, MONDO:0011450, OMIM 604370. Disease mechanism: loss of function.
Breast-ovarian cancer, familial, susceptibility to, 2 (BROVCA2). Also called: BRCA2 Hereditary Breast and Ovarian Cancer. Identifiers: Orphanet 145, MedGen C2675520, MONDO:0012933, OMIM 612555. Disease mechanism: loss of function.
Familial cancer of breast. Also called: Hereditary breast cancer; hereditary breast carcinoma; BREAST CANCER, FAMILIAL. Identifiers: Orphanet 227535, MedGen C0346153, MONDO:0016419, OMIM 114480. Disease mechanism: loss of function.
Breast carcinoma. Also called: Carcinoma of breast. Identifiers: MedGen C0678222, MONDO:0004989, HP:0003002.

Submissions 1 to 9 of 36:

Evidence-based Network for the Interpretation of Germline Mutant Alleles (ENIGMA)
Classification: Pathogenic for Breast-ovarian cancer, familial, susceptibility to, 2. Last evaluated: 2016-09-08. Review status: reviewed by expert panel. Criteria: ENIGMA BRCA1/2 Classification Criteria (2015). Collection method: curation. Allele origin: germline.
Comment: Variant allele predicted to encode a truncated non-functional protein.

Ambry Genetics
Classification: Pathogenic for Hereditary cancer-predisposing syndrome. Last evaluated: 2026-03-13. Review status: criteria provided, single submitter. Criteria: Ambry Variant Classification Scheme 2023. Collection method: clinical testing. Allele origin: germline. Not counted in ClinVar's aggregate classification.
Comment: The c.771_775delTCAAA (p.N257Kfs*17) alteration, located in exon 9 (coding exon 8) of the BRCA2 gene, consists of a deletion of 5 nucleotides from position 771 to 775, causing a translational frameshift with a predicted alternate stop codon after 17 amino acids. This alteration is expected to result in loss of function by premature protein truncation or nonsense-mediated mRNA decay. Based on data from gnomAD, this allele has an overall frequency of 0.001% (2/250748) total alleles studied. The highest observed frequency was <0.001% (2/21636) of alleles. This alteration has been reported in several individuals diagnosed with breast and/or ovarian cancer (Tavtigian, 1996; Tryggvadottir, 2013; Azzollini, 2016; Sun, 2017). This mutation has been described as an Icelandic founder mutation accounting for 7-8% of female breast cancer and 40% of male breast cancer in Iceland (Thorlacius, 1997; Mikaelsdottir, 2004). One Icelandic study comparing breast cancer patients with and without this mutation suggests that estrogen receptor status in carrier individuals is a factor affecting prognosis (Jonasson, 2016). Of note, this alteration is also designated as 999del5 in published literature. Based on the available evidence, this alteration is classified as pathogenic.

Labcorp Genetics (formerly Invitae), Labcorp
Classification: Pathogenic for Hereditary breast ovarian cancer syndrome. Last evaluated: 2026-01-18. Review status: criteria provided, single submitter. Criteria: Invitae Variant Classification Sherloc (09022015). Collection method: clinical testing. Allele origin: germline. Not counted in ClinVar's aggregate classification.
Comment: This sequence change creates a premature translational stop signal (p.Asn257Lysfs*17) in the BRCA2 gene. It is expected to result in an absent or disrupted protein product. Loss-of-function variants in BRCA2 are known to be pathogenic (PMID: 20104584). This variant is present in population databases (rs80359671, gnomAD 0.009%). This premature translational stop signal has been observed in individual(s) with breast and ovarian cancer (PMID: 8589730, 8673089, 9150155, 24549055, 25863477). It is commonly reported in individuals of Icelandic ancestry (PMID: 8673089, 9150155). This variant is also known as 999del5. ClinVar contains an entry for this variant (Variation ID: 9326). For these reasons, this variant has been classified as Pathogenic.

Center for Genomic Medicine, Rigshospitalet, Copenhagen University Hospital
Classification: Pathogenic. Last evaluated: 2025-12-29. Review status: criteria provided, single submitter. Criteria: ACMG Guidelines, 2015. Collection method: clinical testing. Allele origin: germline. Not counted in ClinVar's aggregate classification.

Mayo Clinic Laboratories, Mayo Clinic
Classification: Pathogenic. Last evaluated: 2025-08-26. Review status: criteria provided, single submitter. Criteria: ACMG Guidelines, 2015. Collection method: clinical testing. Allele origin: germline. Observed: 1 variant allele. Not counted in ClinVar's aggregate classification.
Comment: PM5_strong, PVS1

PreventionGenetics, part of Exact Sciences
Classification: Pathogenic for BRCA2-related condition. Last evaluated: 2025-06-20. Review status: criteria provided, single submitter. Criteria: ACMG Guidelines, 2015. Collection method: clinical testing. Allele origin: germline. Not counted in ClinVar's aggregate classification.
Comment: The BRCA2 c.771_775del5 variant is predicted to result in a frameshift and premature protein termination (p.Asn257Lysfs*17). This variant (also reported as c.999del5) has been reported to be causative for breast and ovarian cancer (Tavtigian et al. 1996. PubMed ID: 8589730; Kang et al. 2015. PubMed ID: 25863477; Castéra et al. 2014. PubMed ID: 24549055) and is considered an Icelandic pathogenic founder variant associated with breast and ovarian cancers (Thorlacius et al. 1996. PubMed ID: 8673089; Thorlacius et al. 1997. PubMed ID: 9150155). This variant is reported in 0.0092% of alleles in individuals of European (Finnish) descent in gnomAD. This variant is interpreted as pathogenic in ClinVar. Frameshift variants in BRCA2 are expected to be pathogenic. This variant is interpreted as pathogenic.

GeneKor MSA
Classification: Pathogenic for Hereditary breast ovarian cancer syndrome. Last evaluated: 2025-05-15. Review status: criteria provided, single submitter. Criteria: ACMG Guidelines, 2015. Collection method: clinical testing. Allele origin: germline. Not counted in ClinVar's aggregate classification.
Comment: This is a deletion of five base pairs from exon 9 of the BRCA2 mRNA (c.771_775delTCAAA), which results in frameshift at codon 257 and creation of a novel stop codon 17 amino acid residues later. The result is a truncated, non-functional protein. Truncating variants in BRCA2 are known to be pathogenic. This variant is also known as 999del5 in the literature and is a common cause of breast and ovarian cancer in the Icelandic population (PMID:9150155, 8673089) but has been reported in individuals of other ethnicities (PMID:8589730, 25863477, 24549055). This variant is present in population databases (rs80359671,<0.01%). The mutation database ClinVar contains entries for this variant, where it is listed as pathogenic (VCV000009326.83). Based on the classification criteria set by the ACMG and AMP (PMID:25741868) this variant has been classified as pathogenic.

Quest Diagnostics Nichols Institute San Juan Capistrano
Classification: Pathogenic. Last evaluated: 2024-12-30. Review status: criteria provided, single submitter. Criteria: Quest Diagnostics criteria. Collection method: clinical testing. Allele origin: unknown. Not counted in ClinVar's aggregate classification.
Comment: The BRCA2 c.771_775del (p.Asn257Lysfs*17) variant alters the translational reading frame of the BRCA2 mRNA and causes the premature termination of BRCA2 protein synthesis. This variant has been reported in the published literature in multiple individuals with breast (PMID: 38709234 (2024), 34254208 (2021), 32341426 (2020), 31957001 (2020), 30875412 (2019)) and ovarian cancer (PMIDs: 36367610 (2023), 15571962 (2004)) across Asia and Europe, and has additionally been described as a pathogenic founder variant in the Icelandic population (PMIDs: 23857704 (2013), 17591843 (2007)). The frequency of this variant in the general population (Genome Aggregation Database) is consistent with pathogenicity. Based on the available information, this variant is classified as pathogenic.

Color Diagnostics, LLC DBA Color Health
Classification: Pathogenic for Hereditary cancer-predisposing syndrome. Last evaluated: 2024-06-03. Review status: criteria provided, single submitter. Criteria: ACMG Guidelines, 2015. Collection method: clinical testing. Allele origin: germline. Not counted in ClinVar's aggregate classification.
Comment: This variant deletes 5 nucleotides in exon 9 of the BRCA2 gene, creating a frameshift and premature translation stop signal. This variant is also known as 999del5 and 995delCAAAT in the literature. This variant is expected to result in an absent protein product and transient expression of this variant protein in ex vivo cells showed that it was unstable (PMID: 15217494). This variant has been reported as an Iceland founder mutation where it segregates with female and male breast cancer in families (PMID: 8673089, 9150155). This variant is found to confer risk for breast cancer and ovarian cancer (PMID: 12114473, 15571962, 16768547). Haplotype analysis also suggests there are two common haplotypes for this variant in Finnish breast cancer affected families (PMID: 11781689). This variant also has been observed in breast and ovarian cancer affected individuals and families in Austria, Egypt, France and South Korea (PMID: 23877192, 24156927, 24549055, 25863477). This variant has been identified in 2/250748 chromosomes in the general population by the Genome Aggregation Database (gnomAD). Loss of BRCA2 function is a known mechanism of disease. Based on the available evidence, this variant is classified as Pathogenic.